The following is an entry in ClinVar:

ClinVar aggregate classification (germline): Uncertain significance (1 of 4 stars; one submission).

Conditions:
Cardiovascular phenotype. Identifiers: MedGen CN230736.

Submission:

Ambry Genetics
Classification: Uncertain significance for Cardiovascular phenotype. Last evaluated: 2026-04-02. Review status: criteria provided, single submitter. Criteria: Ambry Variant Classification Scheme 2023. Collection method: clinical testing. Allele origin: germline.
Comment: The p.N279S variant (also known as c.836A>G), located in coding exon 10 of the TECRL gene, results from an A to G substitution at nucleotide position 836. The asparagine at codon 279 is replaced by serine, an amino acid with highly similar properties. This amino acid position is conserved. In addition, this alteration is predicted to be tolerated by in silico analysis. Based on the available evidence, the clinical significance of this variant remains unclear.

NM_001010874.5(TECRL):c.836A>G (p.Asn279Ser)

Gene: TECRL (trans-2,3-enoyl-CoA reductase like; minus strand). Cytogenetic location: 4q13.1.
Variant type: single nucleotide variant.
Coding change: c.836A>G on transcript NM_001010874.5 (MANE Select); coding-DNA position 836, A replaced by G.
Protein change: p.Asn279Ser; replaces asparagine 279 with serine.
Molecular consequence: missense variant.
Genome position (GRCh38, 1-based): chr4:64,281,556, T>C on the plus strand (A>G on the coding strand, the complement: TECRL is on the minus strand). VCF-style: chr4-64281556-T-C. GRCh37 (hg19) VCF-style: chr4-65147274-T-C.
Other names: c.836A>G, p.Asn279Ser (NM_001363796.1); short protein forms N279S.
Identifiers: ClinVar variation 4865414 (VCV004865414.1).